The following is an entry in ClinVar:

NM_000419.5(ITGA2B):c.624+5G>A

Gene: ITGA2B (integrin subunit alpha 2b; minus strand). Cytogenetic location: 17q21.31.
Variant type: single nucleotide variant.
Coding change: c.624+5G>A on transcript NM_000419.5 (MANE Select); 5 bases into the intron after coding-DNA position 624, G replaced by A.
Molecular consequence: intron variant.
Genome position (GRCh38, 1-based): chr17:44,385,281, C>T on the plus strand (G>A on the coding strand, the complement: ITGA2B is on the minus strand). VCF-style: chr17-44385281-C-T. GRCh37 (hg19) VCF-style: chr17-42462649-C-T.
Other names: c.624+5G>A (LRG_479t1).
Identifiers: ClinVar variation 627103 (VCV000627103.5), dbSNP rs373730428, ClinGen allele CA8603420.

ClinVar aggregate classification (germline): Uncertain significance. Review status: reviewed by expert panel (3 of 4 stars). 2 submissions from 2 submitters: Uncertain significance (1). 1 of the submissions does not count toward it. Last evaluated 2023-12-19.

Conditions:
Glanzmann thrombasthenia. Also called: BLEEDING DISORDER, PLATELET-TYPE, 2; THROMBASTHENIA OF GLANZMANN AND NAEGELI; Thrombasthenia; PLATELET GLYCOPROTEIN IIb-IIIa DEFICIENCY; Glanzmann's thrombasthenia. Identifiers: Orphanet 849, MedGen C0040015, MONDO:0100326.

Allele frequency attached by ClinVar (database versions not stated): ExAC 0.00001; gnomAD 0.00001; gnomAD exomes 0.00002 and 0.00003; TOPMed 0.00002; ESP Exome Variant Server 0.00008.
gnomAD v4.1: 49 of 1,613,420 alleles (0.003%); highest among the groups gnomAD compares: Non-Finnish European, 0.0037%; no homozygotes.

Submissions (2):

ClinGen Platelet Disorders Variant Curation Expert Panel, ClinGen
Classification: Uncertain significance for Glanzmann thrombasthenia. Last evaluated: 2023-12-19. Review status: reviewed by expert panel. Criteria: ClinGen Platelet ACMG Specifications v2-1. Collection method: curation. Allele origin: germline. Inheritance: Autosomal recessive inheritance.
Comment: The intronic variant c.624+5G>A has been reported in one compound heterozygous GT patient (PMID: 31064749) with the second variant of Asp396Asn (classified Pathogenic by PD-EP; PM3_supporting). It occurs at an extremely low frequency, (below the PM2_supporting <1/10,000 threshold) with a MAF of 0.00003729 (44/1,180,018) in the gnomADv4.0 non-Finnish European population. SpliceAI predicts a loss of the donor splice site (delta score 0.77; PP3). In summary, this variant meets criteria to be classified as uncertain significance. GT-specific criteria applied: PM2_supporting, PM3_supporting, PP3.

NIHR Bioresource Rare Diseases, University of Cambridge
Classification: Uncertain significance for Glanzmann thrombasthenia 1. Last evaluated: 2019-02-01. Review status: criteria provided, single submitter. Criteria: ACMG Guidelines, 2015. Collection method: research. Allele origin: unknown. Affected: yes. Observed: 1 compound heterozygote. Study: ThromboGenomics. Not counted in ClinVar's aggregate classification.

Literature cited by the submitters: PubMed 31064749 (cited by NIHR Bioresource Rare Diseases, University of Cambridge).